The following is an entry in ClinVar:

NM_005422.4(TECTA):c.552C>T (p.Tyr184=)

Genes: TBCEL-TECTA (TBCEL-TECTA readthrough; plus strand), TECTA (tectorin alpha; plus strand). Cytogenetic location: 11q23.3.
Variant type: single nucleotide variant.
Coding change: c.552C>T on transcript NM_005422.4 (MANE Select); coding-DNA position 552, C replaced by T.
Protein change: p.Tyr184=; no amino-acid change (tyrosine 184 retained).
Molecular consequence: synonymous variant.
Genome position (GRCh38, 1-based): chr11:121,113,137, C>T. VCF-style: chr11-121113137-C-T. GRCh37 (hg19) VCF-style: chr11-120983846-C-T.
Identifiers: ClinVar variation 877514 (VCV000877514.16), dbSNP rs148364865, ClinGen allele CA6326524.

ClinVar aggregate classification (germline): Conflicting classifications of pathogenicity. Review status: criteria provided, conflicting classifications (1 of 4 stars). 5 submissions from 4 submitters: Uncertain significance (2); Likely benign (3). Last evaluated 2025-06-17.

Conditions:
Autosomal dominant nonsyndromic hearing loss 12. Also called: DEAFNESS, AUTOSOMAL DOMINANT 8. Identifiers: Orphanet 90635, MedGen C1832187, MONDO:0011102, OMIM 601543.
Autosomal recessive nonsyndromic hearing loss 21. Identifiers: Orphanet 90636, MedGen C1863655, MONDO:0011351, OMIM 603629.

Allele frequency attached by ClinVar (database versions not stated): gnomAD exomes 0.00010; ExAC 0.00012; 1000 Genomes Project 30x 0.00016; 1000 Genomes Project 0.00020; gnomAD 0.00028 and 0.00032; TOPMed 0.00031; ESP Exome Variant Server 0.00046.
gnomAD v4.1: 125 of 1,614,122 alleles (0.0077%); highest among the groups gnomAD compares: African/African-American, 0.071%; no homozygotes.

Submissions (5):

Women's Health and Genetics/Laboratory Corporation of America, LabCorp
Classification: Likely benign. Last evaluated: 2025-06-17. Review status: criteria provided, single submitter. Criteria: LabCorp Variant Classification Summary - May 2015. Collection method: clinical testing. Allele origin: germline.

Labcorp Genetics (formerly Invitae), Labcorp
Classification: Likely benign. Last evaluated: 2025-02-13. Review status: criteria provided, single submitter. Criteria: Invitae Variant Classification Sherloc (09022015). Collection method: clinical testing. Allele origin: germline.

Illumina Laboratory Services, Illumina
Classification: Uncertain significance for Autosomal recessive nonsyndromic hearing loss 21. Last evaluated: 2018-01-13. Review status: criteria provided, single submitter. Criteria: ICSL Variant Classification Criteria 13 December 2019. Collection method: clinical testing. Allele origin: germline.

Illumina Laboratory Services, Illumina
Classification: Uncertain significance for Autosomal dominant nonsyndromic hearing loss 12. Last evaluated: 2018-01-13. Review status: criteria provided, single submitter. Criteria: ICSL Variant Classification Criteria 13 December 2019. Collection method: clinical testing. Allele origin: germline.

Laboratory for Molecular Medicine, Mass General Brigham Personalized Medicine
Classification: Likely benign. Last evaluated: 2012-04-30. Review status: criteria provided, single submitter. Criteria: LMM Criteria. Collection method: clinical testing. Allele origin: germline. Observed: 1 variant allele.
Comment: Tyr184Tyr in Exon 04 of TECTA: This variant is not expected to have clinical significance because it does not alter an amino acid residue, is not located within the splice consensus sequence, and has been identified in 0.2% (7/3738) of African American chromosomes from a broad population by the NHLBI Exome Sequencing Project (dbSNP rs148364865).